The following is an entry in ClinVar:

NM_017534.6(MYH2):c.2104_2111del (p.Asn702fs)

Genes: MYH2 (myosin heavy chain 2; minus strand), MYHAS (myosin heavy chain gene cluster antisense RNA; plus strand). Cytogenetic location: 17p13.1.
Variant type: Deletion.
Coding change: c.2104_2111del on transcript NM_017534.6 (MANE Select); coding-DNA positions 2104 to 2111, 8 bases deleted (AACGGTGT; older notation c.2104_2111delAACGGTGT).
Protein change: p.Asn702fs; shifts the reading frame from asparagine 702.
Molecular consequence: frameshift variant.
Genome position (GRCh38, 1-based): chr17:10,535,142-10,535,149, ACACCGTT deleted on the plus strand (AACGGTGT on the coding strand, the reverse complement: MYH2 is on the minus strand); deleting any 8 consecutive bases within chr17:10,535,142-10,535,154 gives the same sequence; the c. name uses the placement nearest the transcript's 3' end. VCF-style (leftmost placement, unchanged base first): chr17-10535141-CACACCGTT-C. GRCh37 (hg19) VCF-style: chr17-10438458-CACACCGTT-C.
Other names: c.2104_2111del, p.Asn702fs (NM_001100112.2); short protein forms N702fs.
Identifiers: ClinVar variation 3623063 (VCV003623063.2).

ClinVar aggregate classification (germline): Pathogenic (1 of 4 stars; one submission).

Conditions:
Myopathy, proximal, and ophthalmoplegia (CMYO6). Also called: MYOPATHY WITH CONGENITAL JOINT CONTRACTURES, OPHTHALMOPLEGIA, AND RIMMED VACUOLES; CONGENITAL MYOPATHY 6 WITH OPHTHALMOPLEGIA; INCLUSION BODY MYOPATHY 3, AUTOSOMAL DOMINANT. Identifiers: Orphanet 363677, Orphanet 79091, MedGen C1854106, MONDO:0011577, OMIM 605637.

Submission:

Labcorp Genetics (formerly Invitae), Labcorp
Classification: Pathogenic for Myopathy, proximal, and ophthalmoplegia. Last evaluated: 2024-03-09. Review status: criteria provided, single submitter. Criteria: Invitae Variant Classification Sherloc (09022015). Collection method: clinical testing. Allele origin: germline.
Comment: This sequence change creates a premature translational stop signal (p.Asn702Alafs*8) in the MYH2 gene. It is expected to result in an absent or disrupted protein product. Loss-of-function variants in MYH2 are known to be pathogenic (PMID: 20418530, 23388406, 24193343). This variant is present in population databases (rs757940256, gnomAD 0.002%). This variant has not been reported in the literature in individuals affected with MYH2-related conditions. Algorithms developed to predict the effect of sequence changes on RNA splicing suggest that this variant may disrupt the consensus splice site. For these reasons, this variant has been classified as Pathogenic.

Literature cited by the submitters: PubMed 20418530; PubMed 23388406; PubMed 24193343.